The following is an entry in ClinVar:

NM_001943.5(DSG2):c.2222C>T (p.Thr741Ile)

Genes: DSG2 (desmoglein 2; plus strand), DSG2-AS1 (DSG2 antisense RNA 1; minus strand). Cytogenetic location: 18q12.1.
Variant type: single nucleotide variant.
Coding change: c.2222C>T on transcript NM_001943.5 (MANE Select); coding-DNA position 2222, C replaced by T.
Protein change: p.Thr741Ile; replaces threonine 741 with isoleucine.
Molecular consequence: missense variant.
Genome position (GRCh38, 1-based): chr18:31,542,740, C>T. VCF-style: chr18-31542740-C-T. GRCh37 (hg19) VCF-style: chr18-29122703-C-T.
Other names: short protein forms T741I.
Identifiers: ClinVar variation 2898651 (VCV002898651.3), dbSNP rs2510920781, ClinGen allele CA402142630.

ClinVar aggregate classification (germline): Uncertain significance (1 of 4 stars; one submission).

Conditions:
Arrhythmogenic right ventricular dysplasia 10. Also called: Arrhythmogenic right ventricular dysplasia/cardiomyopathy, type 10; Arrhythmogenic Right Ventricular Dysplasia/Cardiomyopathy10; ARRHYTHMOGENIC RIGHT VENTRICULAR DYSPLASIA, FAMILIAL, 10. Identifiers: MedGen C1857777, MONDO:0012434, OMIM 610193.

Allele frequency attached by ClinVar (database versions not stated): gnomAD exomes below 0.00001.
gnomAD v4.1: 1 of 1,614,118 alleles (0.000062%); highest among the groups gnomAD compares: Non-Finnish European, 0.000085%; no homozygotes.

Submission:

Labcorp Genetics (formerly Invitae), Labcorp
Classification: Uncertain significance for Arrhythmogenic right ventricular dysplasia 10. Last evaluated: 2023-04-19. Review status: criteria provided, single submitter. Criteria: Invitae Variant Classification Sherloc (09022015). Collection method: clinical testing. Allele origin: germline.
Comment: In summary, the available evidence is currently insufficient to determine the role of this variant in disease. Therefore, it has been classified as a Variant of Uncertain Significance. Advanced modeling of protein sequence and biophysical properties (such as structural, functional, and spatial information, amino acid conservation, physicochemical variation, residue mobility, and thermodynamic stability) performed at Invitae indicates that this missense variant is not expected to disrupt DSG2 protein function. This variant has not been reported in the literature in individuals affected with DSG2-related conditions. This variant is not present in population databases (gnomAD no frequency). This sequence change replaces threonine, which is neutral and polar, with isoleucine, which is neutral and non-polar, at codon 741 of the DSG2 protein (p.Thr741Ile).